The following is an entry in ClinVar:

NM_001080442.3(SLC38A8):c.427C>T (p.Gln143Ter)

Gene: SLC38A8 (solute carrier family 38 member 8; minus strand). Cytogenetic location: 16q23.3.
Variant type: single nucleotide variant.
Coding change: c.427C>T on transcript NM_001080442.3 (MANE Select); coding-DNA position 427, C replaced by T.
Protein change: p.Gln143Ter; replaces glutamine 143 with a stop codon.
Molecular consequence: nonsense.
Genome position (GRCh38, 1-based): chr16:84,033,431, G>A on the plus strand (C>T on the coding strand, the complement: SLC38A8 is on the minus strand). VCF-style: chr16-84033431-G-A. GRCh37 (hg19) VCF-style: chr16-84067036-G-A.
Other names: short protein forms Q143*.
Identifiers: ClinVar variation 2974449 (VCV002974449.4), dbSNP rs2085268536, ClinGen allele CA396939873.

ClinVar aggregate classification (germline): Pathogenic/Likely pathogenic. Review status: criteria provided, multiple submitters, no conflicts (2 of 4 stars). 2 submissions from 2 submitters: Pathogenic (1); Likely pathogenic (1). Last evaluated 2023-06-27.

Conditions:
Foveal hypoplasia - optic nerve decussation defect - anterior segment dysgenesis syndrome. Also called: FOVEAL HYPOPLASIA 2 WITH OR WITHOUT OPTIC NERVE MISROUTING AND/OR ANTERIOR SEGMENT DYSGENESIS; FOVEAL HYPOPLASIA 2 WITH OR WITHOUT MICROPHTHALMIA OR COLOBOMA; Foveal hypoplasia 2; FOVEAL HYPOPLASIA 2 WITH OPTIC NERVE DECUSSATION DEFECTS AND ANTERIOR SEGMENT DYSGENESIS WITHOUT ALBINISM. Identifiers: Orphanet 397618, MedGen C3807873, MONDO:0012216, OMIM 609218.

gnomAD v4.1: 1 of 1,611,190 alleles (0.000062%); highest among the groups gnomAD compares: Non-Finnish European, 0.000085%; no homozygotes.

Submissions (2):

Labcorp Genetics (formerly Invitae), Labcorp
Classification: Pathogenic. Last evaluated: 2023-06-27. Review status: criteria provided, single submitter. Criteria: Invitae Variant Classification Sherloc (09022015). Collection method: clinical testing. Allele origin: germline.
Comment: For these reasons, this variant has been classified as Pathogenic. This variant has not been reported in the literature in individuals affected with SLC38A8-related conditions. This variant is not present in population databases (gnomAD no frequency). This sequence change creates a premature translational stop signal (p.Gln143*) in the SLC38A8 gene. It is expected to result in an absent or disrupted protein product. Loss-of-function variants in SLC38A8 are known to be pathogenic (PMID: 24290379).

Department of Pathology and Laboratory Medicine, Sinai Health System
Classification: Likely pathogenic for Foveal hypoplasia - optic nerve decussation defect - anterior segment dysgenesis syndrome. Last evaluated: 2022-07-21. Review status: criteria provided, single submitter. Criteria: ACMG Guidelines, 2015. Collection method: research. Allele origin: germline.

Literature cited by the submitters: PubMed 24290379 (cited by Labcorp Genetics (formerly Invitae), Labcorp).